The following is an entry in ClinVar:

NM_005529.7(HSPG2):c.10489G>A (p.Val3497Met)

Gene: HSPG2 (heparan sulfate proteoglycan 2; minus strand). Cytogenetic location: 1p36.12.
Variant type: single nucleotide variant.
Coding change: c.10489G>A on transcript NM_005529.7 (MANE Select); coding-DNA position 10489, G replaced by A.
Protein change: p.Val3497Met; replaces valine 3497 with methionine.
Molecular consequence: missense variant.
Genome position (GRCh38, 1-based): chr1:21,834,910, C>T on the plus strand (G>A on the coding strand, the complement: HSPG2 is on the minus strand). VCF-style: chr1-21834910-C-T. GRCh37 (hg19) VCF-style: chr1-22161403-C-T.
Other names: c.10489G>A (NM_005529.5); c.10492G>A, p.Val3498Met (NM_001291860.2); short protein forms V3498M, V3497M.
Identifiers: ClinVar variation 2176290 (VCV002176290.8), dbSNP rs747556327, ClinGen allele CA670099.
Genomic context (GRCh38, chr1:21,834,910, plus strand): 5'-TGGGGTCACCCAGTGCCAGGCATTCGAACTCCACGGCGTGGCCAACCACCACGGTCTGCA[C>T]AGAGGTCCGGATGTTGATGAGCACCGAGGGCAGGGCTGGGGAGGAGGGAGGCAGAGGTCC-3'
Protein context (NP_005520.4, residues 3487-3507): PSVLINIRTS[Val3497Met]QTVVVGHAVE

ClinVar aggregate classification (germline): Uncertain significance. Review status: criteria provided, multiple submitters, no conflicts (2 of 4 stars). 3 submissions from 3 submitters: Uncertain significance (3). Last evaluated 2022-08-08.

Conditions:
Inborn genetic diseases. Identifiers: MedGen C0950123, MeSH D030342.

Allele frequency attached by ClinVar (database versions not stated): ExAC 0.00001; gnomAD 0.00001; gnomAD exomes 0.00002.

Submissions (3):

Ambry Genetics
Classification: Uncertain significance for Inborn genetic diseases. Last evaluated: 2022-08-08. Review status: criteria provided, single submitter. Criteria: Ambry Variant Classification Scheme 2023. Collection method: clinical testing. Allele origin: germline.

Labcorp Genetics (formerly Invitae), Labcorp
Classification: Uncertain significance. Last evaluated: 2022-04-18. Review status: criteria provided, single submitter. Criteria: Invitae Variant Classification Sherloc (09022015). Collection method: clinical testing. Allele origin: germline.
Comment: In summary, the available evidence is currently insufficient to determine the role of this variant in disease. Therefore, it has been classified as a Variant of Uncertain Significance. Algorithms developed to predict the effect of missense changes on protein structure and function are either unavailable or do not agree on the potential impact of this missense change (SIFT: "Tolerated"; PolyPhen-2: "Probably Damaging"; Align-GVGD: "Class C0"). This variant has not been reported in the literature in individuals affected with HSPG2-related conditions. This variant is present in population databases (rs747556327, gnomAD 0.0009%). This sequence change replaces valine, which is neutral and non-polar, with methionine, which is neutral and non-polar, at codon 3497 of the HSPG2 protein (p.Val3497Met).

Revvity Omics, Revvity
Classification: Uncertain significance. Last evaluated: 2019-10-24. Review status: criteria provided, single submitter. Criteria: ACMG Guidelines, 2015. Collection method: clinical testing. Allele origin: germline.